The following is an entry in ClinVar:

NM_014314.4(RIGI):c.106+6T>G

Gene: RIGI (RNA sensor RIG-I; minus strand). Cytogenetic location: 9p21.1.
Variant type: single nucleotide variant.
Coding change: c.106+6T>G on transcript NM_014314.4 (MANE Select); 6 bases into the intron after coding-DNA position 106, T replaced by G.
Molecular consequence: intron variant.
Genome position (GRCh38, 1-based): chr9:32,526,055, A>C on the plus strand (T>G on the coding strand, the complement: RIGI is on the minus strand). VCF-style: chr9-32526055-A-C. GRCh37 (hg19) VCF-style: chr9-32526053-A-C.
Other names: c.-356+6T>G (NM_001385912.1); c.106+6T>G (NM_001385913.1, NM_001385907.1, NM_001385909.1); c.-349+6T>G (NM_001385914.1, NM_001385910.1).
Identifiers: ClinVar variation 1965770 (VCV001965770.5), dbSNP rs367871760, ClinGen allele CA192343319.
Genomic context (GRCh38, chr9:32,526,055, plus strand): 5'-ACGAAGCAAGAGAAAAACAAGTCCTCAATTGTTTTCCGCCGAGAAGGCGCCGCTGGAGAC[A>C]CTCACCCTCCCTAAACCAGGGGGCCATGTAGCTCAGGATGTAGGTAGGGTCCAGGGTCTT-3'

ClinVar aggregate classification (germline): Uncertain significance (1 of 4 stars; one submission).

Allele frequency attached by ClinVar (database versions not stated): gnomAD 0.00001; TOPMed 0.00002; ESP Exome Variant Server 0.00008.
gnomAD v4.1: 2 of 1,608,572 alleles (0.00012%); highest among the groups gnomAD compares: African/African-American, 0.0027%; no homozygotes.

Submission:

Labcorp Genetics (formerly Invitae), Labcorp
Classification: Uncertain significance. Last evaluated: 2022-08-17. Review status: criteria provided, single submitter. Criteria: Invitae Variant Classification Sherloc (09022015). Collection method: clinical testing. Allele origin: germline.
Comment: Variants that disrupt the consensus splice site are a relatively common cause of aberrant splicing (PMID: 17576681, 9536098). Algorithms developed to predict the effect of sequence changes on RNA splicing suggest that this variant may disrupt the consensus splice site. This variant has not been reported in the literature in individuals affected with DDX58-related conditions. This variant is not present in population databases (gnomAD no frequency). This sequence change falls in intron 1 of the DDX58 gene. It does not directly change the encoded amino acid sequence of the DDX58 protein. It affects a nucleotide within the consensus splice site. In summary, the available evidence is currently insufficient to determine the role of this variant in disease. Therefore, it has been classified as a Variant of Uncertain Significance.

Literature cited by the submitters: PubMed 17576681; PubMed 9536098.